The following is an entry in ClinVar:

NM_001256545.2(MEGF10):c.2051T>C (p.Ile684Thr)

Gene: MEGF10 (multiple EGF like domains 10; plus strand). Cytogenetic location: 5q23.2.
Variant type: single nucleotide variant.
Coding change: c.2051T>C on transcript NM_001256545.2 (MANE Select); coding-DNA position 2051, T replaced by C.
Protein change: p.Ile684Thr; replaces isoleucine 684 with threonine.
Molecular consequence: missense variant.
Genome position (GRCh38, 1-based): chr5:127,435,436, T>C. VCF-style: chr5-127435436-T-C. GRCh37 (hg19) VCF-style: chr5-126771128-T-C.
Other names: c.2051T>C, p.Ile684Thr (NM_032446.3); short protein forms I684T.
Identifiers: ClinVar variation 834504 (VCV000834504.8), dbSNP rs778154840, ClinGen allele CA3391823.

ClinVar aggregate classification (germline): Uncertain significance. Review status: criteria provided, multiple submitters, no conflicts (2 of 4 stars). 2 submissions from 2 submitters: Uncertain significance (2). Last evaluated 2024-11-25.

Conditions:
Inborn genetic diseases. Identifiers: MedGen C0950123, MeSH D030342.
MEGF10-related myopathy (CMYO10A). Also called: Congenital myopathy 10A, severe variant. Identifiers: Orphanet 439212, MedGen C3280679, MONDO:0013731, OMIM 614399.

Allele frequency attached by ClinVar (database versions not stated): gnomAD 0.00001; gnomAD exomes 0.00002 and 0.00003; ExAC 0.00003; TOPMed 0.00003.
gnomAD v4.1: 32 of 1,614,006 alleles (0.002%); highest among the groups gnomAD compares: East Asian, 0.0089%; no homozygotes.

Submissions (2):

Ambry Genetics
Classification: Uncertain significance for Inborn genetic diseases. Last evaluated: 2024-11-25. Review status: criteria provided, single submitter. Criteria: Ambry Variant Classification Scheme 2023. Collection method: clinical testing. Allele origin: germline.

Labcorp Genetics (formerly Invitae), Labcorp
Classification: Uncertain significance for MEGF10-related myopathy. Last evaluated: 2022-08-09. Review status: criteria provided, single submitter. Criteria: Invitae Variant Classification Sherloc (09022015). Collection method: clinical testing. Allele origin: germline.
Comment: This sequence change replaces isoleucine, which is neutral and non-polar, with threonine, which is neutral and polar, at codon 684 of the MEGF10 protein (p.Ile684Thr). This variant is present in population databases (rs778154840, gnomAD 0.02%). This variant has not been reported in the literature in individuals affected with MEGF10-related conditions. ClinVar contains an entry for this variant (Variation ID: 834504). Algorithms developed to predict the effect of missense changes on protein structure and function (SIFT, PolyPhen-2, Align-GVGD) all suggest that this variant is likely to be disruptive. In summary, the available evidence is currently insufficient to determine the role of this variant in disease. Therefore, it has been classified as a Variant of Uncertain Significance.